The following is an entry in ClinVar:

ClinVar aggregate classification (germline): Uncertain significance (1 of 4 stars; one submission).

Allele frequency attached by ClinVar (database versions not stated): gnomAD exomes below 0.00001; ExAC 0.00001; gnomAD 0.00002; TOPMed 0.00002; ESP Exome Variant Server 0.00008.
gnomAD v4.1: 11 of 1,614,062 alleles (0.00068%); highest among the groups gnomAD compares: African/African-American, 0.0027%; no homozygotes.

Submission:

Labcorp Genetics (formerly Invitae), Labcorp
Classification: Uncertain significance. Last evaluated: 2024-01-13. Review status: criteria provided, single submitter. Criteria: Invitae Variant Classification Sherloc (09022015). Collection method: clinical testing. Allele origin: germline.
Comment: This sequence change replaces histidine, which is basic and polar, with tyrosine, which is neutral and polar, at codon 598 of the FBLN1 protein (p.His598Tyr). This variant is present in population databases (rs368410267, gnomAD 0.007%). This variant has not been reported in the literature in individuals affected with FBLN1-related conditions. An algorithm developed to predict the effect of missense changes on protein structure and function (PolyPhen-2) suggests that this variant is likely to be tolerated. In summary, the available evidence is currently insufficient to determine the role of this variant in disease. Therefore, it has been classified as a Variant of Uncertain Significance.

NM_006486.3(FBLN1):c.1792C>T (p.His598Tyr)

Gene: FBLN1 (fibulin 1; plus strand). Cytogenetic location: 22q13.31.
Variant type: single nucleotide variant.
Coding change: c.1792C>T on transcript NM_006486.3 (MANE Select); coding-DNA position 1792, C replaced by T.
Protein change: p.His598Tyr; replaces histidine 598 with tyrosine.
Molecular consequence: missense variant.
Genome position (GRCh38, 1-based): chr22:45,574,605, C>T. VCF-style: chr22-45574605-C-T. GRCh37 (hg19) VCF-style: chr22-45970485-C-T.
Other names: short protein forms H598Y.
Identifiers: ClinVar variation 2967347 (VCV002967347.3), dbSNP rs368410267, ClinGen allele CA10287254.
Genomic context (GRCh38, chr22:45,574,605, plus strand): 5'-ATCAAGTCCTGCCGCCCCAACGATGTCACATGCGTGTTCGACCCCGTGCACACCATCTCC[C>T]ACACCGTCATCTCGCTGCCTACCTTCCGCGAGTTCACCCGCCCTGAAGGTGAGTGGGATG-3'
Protein context (NP_006477.3, residues 588-608): CVFDPVHTIS[His598Tyr]TVISLPTFRE